The following is an entry in ClinVar:

NM_000393.5(COL5A2):c.3658C>T (p.Pro1220Ser)

Gene: COL5A2 (collagen type V alpha 2 chain; minus strand). Cytogenetic location: 2q32.2.
Variant type: single nucleotide variant.
Coding change: c.3658C>T on transcript NM_000393.5 (MANE Select); coding-DNA position 3658, C replaced by T.
Protein change: p.Pro1220Ser; replaces proline 1220 with serine.
Molecular consequence: missense variant.
Genome position (GRCh38, 1-based): chr2:189,039,539, G>A on the plus strand (C>T on the coding strand, the complement: COL5A2 is on the minus strand). VCF-style: chr2-189039539-G-A. GRCh37 (hg19) VCF-style: chr2-189904265-G-A.
Other names: short protein forms P1220S.
Identifiers: ClinVar variation 459745 (VCV000459745.56), dbSNP rs770554435, ClinGen allele CA2021938.

ClinVar aggregate classification (germline): Conflicting classifications of pathogenicity. Review status: criteria provided, conflicting classifications (1 of 4 stars). 6 submissions from 6 submitters: Uncertain significance (3); Likely benign (3). Last evaluated 2025-12-24.

Conditions:
Ehlers-Danlos syndrome, classic type, 1 (EDSCL1). Also called: EDS I; Ehlers-Danlos syndrome, type 1; Ehlers-Danlos Syndrome, Classic Type, COL5A1-Related; EHLERS-DANLOS SYNDROME, GRAVIS TYPE; EHLERS-DANLOS SYNDROME, SEVERE CLASSIC TYPE. Identifiers: MedGen C0268335, MONDO:0019567, OMIM 130000.
Ehlers-Danlos syndrome, classic type (cEDS). Identifiers: Orphanet 287, MedGen C4225429, MONDO:0007522.
Familial thoracic aortic aneurysm and aortic dissection (TAAD). Also called: Thoracic aortic aneurysms and dissections. Identifiers: Orphanet 91387, MedGen C4707243, MONDO:0019625.

Allele frequency attached by ClinVar (database versions not stated): gnomAD exomes 0.00004; gnomAD 0.00005 and 0.00006; TOPMed 0.00005; ExAC 0.00006.
gnomAD v4.1: 101 of 1,613,766 alleles (0.0063%); highest among the groups gnomAD compares: Non-Finnish European, 0.0079%; no homozygotes.

Submissions (6):

Women's Health and Genetics/Laboratory Corporation of America, LabCorp
Classification: Likely benign. Last evaluated: 2025-12-24. Review status: criteria provided, single submitter. Criteria: LabCorp Variant Classification Summary - May 2015. Collection method: clinical testing. Allele origin: germline.
Comment: Variant summary: COL5A2 c.3658C>T (p.Pro1220Ser) results in a non-conservative amino acid change in the encoded protein sequence. Algorithms developed to predict the effect of missense changes on protein structure and function all suggest that this variant is likely to be disruptive. The variant allele was found at a frequency of 3.6e-05 in 249196 control chromosomes, predominantly at a frequency of 7.1e-05 within the Non-Finnish European subpopulation in the gnomAD database v2. The available data on variant occurrences in the general population are insufficient to allow any conclusion about variant significance. However, this variant was observed as 101 heterozygotes in the gnomAD v4 database. c.3658C>T has been observed in individual(s) affected with Chiari Malformation Type 1 without strong evidence of causality (Urbizu_2021). These report(s) do not provide unequivocal conclusions about association of the variant with Ehlers-Danlos syndrome, classic type, 2. To our knowledge, no experimental evidence demonstrating an impact on protein function has been reported. The following publication has been ascertained in the context of this evaluation (PMID: 33974636). ClinVar contains an entry for this variant (Variation ID: 459745). Based on the evidence outlined above, the variant was classified as likely benign.

Labcorp Genetics (formerly Invitae), Labcorp
Classification: Likely benign for Ehlers-Danlos syndrome, classic type, 1. Last evaluated: 2025-12-03. Review status: criteria provided, single submitter. Criteria: Invitae Variant Classification Sherloc (09022015). Collection method: clinical testing. Allele origin: germline.

Ambry Genetics
Classification: Likely benign for Familial thoracic aortic aneurysm and aortic dissection. Last evaluated: 2025-09-12. Review status: criteria provided, single submitter. Criteria: Ambry Variant Classification Scheme 2023. Collection method: clinical testing. Allele origin: germline.

GeneDx
Classification: Uncertain significance. Last evaluated: 2023-11-27. Review status: criteria provided, single submitter. Criteria: GeneDx Variant Classification Process June 2021. Collection method: clinical testing. Allele origin: germline. Affected: yes.
Comment: In silico analysis supports that this missense variant has a deleterious effect on protein structure/function; This variant is associated with the following publications: (PMID: 33974636)

CeGaT Center for Human Genetics Tuebingen
Classification: Uncertain significance. Last evaluated: 2022-07-01. Review status: criteria provided, single submitter. Criteria: CeGaT Center For Human Genetics Tuebingen Variant Classification Criteria Version 2. Collection method: clinical testing. Allele origin: germline. Affected: yes. Observed: 2 variant alleles.

Fulgent Genetics
Classification: Uncertain significance for Ehlers-Danlos syndrome, classic type, 1. Last evaluated: 2018-10-31. Review status: criteria provided, single submitter. Criteria: ACMG Guidelines, 2015. Collection method: clinical testing. Allele origin: unknown.

Literature cited by the submitters: PubMed 33974636 (cited by Women's Health and Genetics/Laboratory Corporation of America, LabCorp).